The following is an entry in ClinVar:

ClinVar aggregate classification (germline): Conflicting classifications of pathogenicity. Review status: criteria provided, conflicting classifications (1 of 4 stars). 4 submissions from 3 submitters: Uncertain significance (2); Likely benign (2). Last evaluated 2023-12-16.

Conditions:
Transitory neonatal diabetes mellitus. Also called: Transient neonatal diabetes mellitus. Identifiers: MedGen C0342273, MONDO:0020525, HP:0008255.
Maturity-onset diabetes of the young (MODY). Also called: Maturity onset diabetes mellitus in young. Identifiers: Orphanet 552, MedGen C0342276, MONDO:0018911, HP:0004904.

Allele frequency attached by ClinVar (database versions not stated): ExAC 0.00002; gnomAD 0.00002; gnomAD exomes 0.00002; TOPMed 0.00002.
gnomAD v4.1: 60 of 1,609,464 alleles (0.0037%); highest among the groups gnomAD compares: Non-Finnish European, 0.0051%; no homozygotes.

Submissions (4):

Labcorp Genetics (formerly Invitae), Labcorp
Classification: Likely benign. Last evaluated: 2023-12-16. Review status: criteria provided, single submitter. Criteria: Invitae Variant Classification Sherloc (09022015). Collection method: clinical testing. Allele origin: germline.

Clinical Genomics, Uppaluri K&H Personalized Medicine Clinic
Classification: Uncertain significance for Transitory neonatal diabetes mellitus. Review status: criteria provided, single submitter. Criteria: K & H Uppaluri Personalized Medicine Clinic Variant Classification & Assertion Criteria_Updated V.1. Collection method: research. Allele origin: somatic. Inheritance: Somatic mutation.
Comment: Mutations in ABCC8 gene are associated with both neonatal diabetes mellitus as well as MODY. Patients with this mutation may have a better response to sulfonylureas. However, no sufficient evidence is found to ascertain the role of this particular variant (rs764779784) in neonatal diabetes yet.

Clinical Genomics, Uppaluri K&H Personalized Medicine Clinic
Classification: Uncertain significance for Maturity-onset diabetes of the young. Review status: criteria provided, single submitter. Criteria: K & H Uppaluri Personalized Medicine Clinic Variant Classification & Assertion Criteria_Updated V.1. Collection method: research. Allele origin: somatic. Inheritance: Somatic mutation.
Comment: Mutations in ABCC8 gene are associated with both neonatal diabetes mellitus as well as MODY. Patients with this mutation may have a better response to sulfonylureas. However, no sufficient evidence is found to ascertain the role of this particular variant (rs764779784) in MODY yet.

PreventionGenetics, part of Exact Sciences
Classification: Likely benign. Review status: criteria provided, single submitter. Criteria: ACMG Guidelines, 2015. Collection method: clinical testing. Allele origin: germline.

Literature cited by the submitters: PubMed 16885549 (cited by Clinical Genomics, Uppaluri K&H Personalized Medicine Clinic); PubMed 21989597 (cited by Clinical Genomics, Uppaluri K&H Personalized Medicine Clinic); PubMed 27538677 (cited by Clinical Genomics, Uppaluri K&H Personalized Medicine Clinic); PubMed 18981553 (cited by Clinical Genomics, Uppaluri K&H Personalized Medicine Clinic); PubMed 32027066 (cited by Clinical Genomics, Uppaluri K&H Personalized Medicine Clinic); PubMed 16613899 (cited by Clinical Genomics, Uppaluri K&H Personalized Medicine Clinic); PubMed 18025408 (cited by Clinical Genomics, Uppaluri K&H Personalized Medicine Clinic); PubMed 32792356 (cited by Clinical Genomics, Uppaluri K&H Personalized Medicine Clinic).

NM_000352.6(ABCC8):c.3557+20G>C

Gene: ABCC8 (ATP binding cassette subfamily C member 8; minus strand). Cytogenetic location: 11p15.1.
Variant type: single nucleotide variant.
Coding change: c.3557+20G>C on transcript NM_000352.6 (MANE Select); 20 bases into the intron after coding-DNA position 3557, G replaced by C.
Molecular consequence: intron variant.
Genome position (GRCh38, 1-based): chr11:17,404,492, C>G on the plus strand (G>C on the coding strand, the complement: ABCC8 is on the minus strand). VCF-style: chr11-17404492-C-G. GRCh37 (hg19) VCF-style: chr11-17426039-C-G.
Other names: c.3554+20G>C (NM_001351297.2); c.3557+20G>C (NM_001351296.2); c.3623+20G>C (NM_001351295.2); c.3560+20G>C (NM_001287174.3).
Identifiers: ClinVar variation 255931 (VCV000255931.6), dbSNP rs764779784, ClinGen allele CA5902780.
Genomic context (GRCh38, chr11:17,404,492, plus strand): 5'-TCTCATAACGATGAGTCTAGCAAGTACACCAAACTGCACATTGCAAAGCACCTCCCACCC[C>G]TCACCCCTGAGGCCATCACCTGGACGCCACCCGGAAGTACTTCTGGATGAAGTAGCACAC-3'